The following is an entry in ClinVar:

ClinVar aggregate classification (germline): Benign. Review status: criteria provided, multiple submitters, no conflicts (2 of 4 stars). 2 submissions from 2 submitters: Benign (2). Last evaluated 2018-06-14.

Allele frequency attached by ClinVar (database versions not stated): gnomAD 0.47278 and 0.48850; TOPMed 0.47291; gnomAD exomes 0.55971; 1000 Genomes Project 30x 0.57620; 1000 Genomes Project 0.58946.
gnomAD v4.1: 378,674 of 697,126 alleles (54%); highest among the groups gnomAD compares: East Asian, 93%; 109,618 homozygotes.

Submissions (2):

GeneDx
Classification: Benign. Last evaluated: 2018-06-14. Review status: criteria provided, single submitter. Criteria: GeneDx Variant Classification (06012015). Collection method: clinical testing. Allele origin: germline. Affected: yes.
Comment: This variant is considered likely benign or benign based on one or more of the following criteria: it is a conservative change, it occurs at a poorly conserved position in the protein, it is predicted to be benign by multiple in silico algorithms, and/or has population frequency not consistent with disease.

Breakthrough Genomics
Classification: Benign. Review status: criteria provided, single submitter. Criteria: ACMG Guidelines, 2015. Collection method: not provided. Allele origin: germline. Inheritance: Autosomal recessive inheritance. Affected: yes.

NM_002206.3(ITGA7):c.2004-158G>A

Gene: ITGA7 (integrin subunit alpha 7; minus strand). Cytogenetic location: 12q13.2.
Variant type: single nucleotide variant.
Coding change: c.2004-158G>A on transcript NM_002206.3 (MANE Select); 158 bases into the intron before coding-DNA position 2004, G replaced by A.
Molecular consequence: intron variant.
Genome position (GRCh38, 1-based): chr12:55,695,128, C>T on the plus strand (G>A on the coding strand, the complement: ITGA7 is on the minus strand). VCF-style: chr12-55695128-C-T. GRCh37 (hg19) VCF-style: chr12-56088912-C-T.
Other names: c.1725-158G>A (NM_001144997.2); c.1677-158G>A (NM_001367993.1); c.1665-158G>A (NM_001414035.1); c.1821-158G>A (NM_001414033.1); c.660-158G>A (NM_001367994.1); c.1884-158G>A (NM_001414032.1); c.1917-158G>A (NM_001414031.1); c.1986-158G>A (NM_001374465.1); and 5 more.
Identifiers: ClinVar variation 682024 (VCV000682024.2), dbSNP rs4143553, ClinGen allele CA13590056.